The following is an entry in ClinVar:

NM_000169.3(GLA):c.1000-14T>C

Genes: GLA (galactosidase alpha; minus strand), RPL36A-HNRNPH2 (RPL36A-HNRNPH2 readthrough; plus strand). Cytogenetic location: Xq22.1.
Variant type: single nucleotide variant.
Coding change: c.1000-14T>C on transcript NM_000169.3 (MANE Select); 14 bases into the intron before coding-DNA position 1000, T replaced by C.
Molecular consequence: intron variant.
Genome position (GRCh38, 1-based): chrX:101,398,113, A>G on the plus strand (T>C on the coding strand, the complement: GLA is on the minus strand). VCF-style: chrX-101398113-A-G. GRCh37 (hg19) VCF-style: chrX-100653101-A-G.
Other names: c.300+2656A>G (NM_001199973.2); c.177+6291A>G (NM_001199974.2); c.1123-14T>C (NM_001406747.1).
Identifiers: ClinVar variation 42450 (VCV000042450.12), dbSNP rs397515868, ClinGen allele CA021279.

ClinVar aggregate classification (germline): Conflicting classifications of pathogenicity. Review status: criteria provided, conflicting classifications (1 of 4 stars). 6 submissions from 6 submitters: Uncertain significance (2); Likely benign (4). Last evaluated 2025-12-14.

Conditions:
Fabry disease. Also called: ALPHA-GALACTOSIDASE A DEFICIENCY; ANDERSON-FABRY DISEASE; CERAMIDE TRIHEXOSIDASE DEFICIENCY; GLA DEFICIENCY; HEREDITARY DYSTOPIC LIPIDOSIS; Angiokeratoma corporis diffusum. Identifiers: Orphanet 324, MedGen C0002986, MONDO:0010526, OMIM 301500, HP:0001071. Disease mechanism: Fabry disease is due to inactivating mutations in the X-linked GLA gene resulting in deficiency of the enzyme Alpha Galactosidase-A., loss of function.

Allele frequency attached by ClinVar (database versions not stated): TOPMed below 0.00001; ExAC 0.00002; gnomAD exomes 0.00001; gnomAD 0.00004.
gnomAD v4.1: 12 of 1,200,987 alleles (0.001%); highest among the groups gnomAD compares: Admixed American, 0.0022%; no homozygotes.

Submissions (6):

Labcorp Genetics (formerly Invitae), Labcorp
Classification: Likely benign for Fabry disease. Last evaluated: 2025-12-14. Review status: criteria provided, single submitter. Criteria: Invitae Variant Classification Sherloc (09022015). Collection method: clinical testing. Allele origin: germline.

All of Us Research Program, National Institutes of Health
Classification: Uncertain significance for Fabry disease. Last evaluated: 2024-06-17. Review status: criteria provided, single submitter. Criteria: ACMG Guidelines, 2015. Collection method: clinical testing. Allele origin: germline. Inheritance: X-linked inheritance. Observed: 2 variant alleles, 2 heterozygotes.
Comment: This variant causes a T to C nucleotide substitution at the -14 position of intron 6 of the GLA gene. Splice site prediction tools are inconclusive regarding the impact of this variant on RNA splicing. To our knowledge, RNA studies have not been reported for this variant. This variant has not been reported in individuals affected with GLA-related disorders in the literature. This variant has been identified in 3/204206 chromosomes in the general population by the Genome Aggregation Database (gnomAD). The available evidence is insufficient to determine the role of this variant in disease conclusively. Therefore, this variant is classified as a Variant of Uncertain Significance.

This study involves interpretation of variants in research participants for the purpose of population health screening. Participant phenotype was not available at the time of variant classification. Additional details can be found in publication PMID: 35346344, PMCID: PMC8962531

Color Diagnostics, LLC DBA Color Health
Classification: Uncertain significance for Fabry disease. Last evaluated: 2024-05-15. Review status: criteria provided, single submitter. Criteria: ACMG Guidelines, 2015. Collection method: clinical testing. Allele origin: germline.
Comment: This variant causes a T to C nucleotide substitution at the -14 position of intron 6 of the GLA gene. Splice site prediction tools are inconclusive regarding the impact of this variant on RNA splicing. To our knowledge, RNA studies have not been reported for this variant. This variant has not been reported in individuals affected with GLA-related disorders in the literature. This variant has been identified in 3/204206 chromosomes in the general population by the Genome Aggregation Database (gnomAD). The available evidence is insufficient to determine the role of this variant in disease conclusively. Therefore, this variant is classified as a Variant of Uncertain Significance.

Fulgent Genetics
Classification: Likely benign for Fabry disease. Last evaluated: 2021-12-30. Review status: criteria provided, single submitter. Criteria: ACMG Guidelines, 2015. Collection method: clinical testing. Allele origin: unknown.

Laboratory for Molecular Medicine, Mass General Brigham Personalized Medicine
Classification: Likely benign. Last evaluated: 2012-09-24. Review status: criteria provided, single submitter. Criteria: LMM Criteria. Collection method: clinical testing. Allele origin: germline. Observed: 1 variant allele.
Comment: 1000-14T>C in Intron 07 of GLA: This variant is not expected to have clinical si gnificance because it is not located within the splice consensus sequence.

Breakthrough Genomics
Classification: Likely benign. Review status: criteria provided, single submitter. Criteria: ACMG Guidelines, 2015. Collection method: not provided. Allele origin: germline. Inheritance: X-linked inheritance. Affected: yes.